The following is an entry in ClinVar:

NM_006182.4(DDR2):c.1891C>T (p.Arg631Trp)

Gene: DDR2 (discoidin domain receptor tyrosine kinase 2; plus strand). Cytogenetic location: 1q23.3.
Variant type: single nucleotide variant.
Coding change: c.1891C>T on transcript NM_006182.4 (MANE Select); coding-DNA position 1891, C replaced by T.
Protein change: p.Arg631Trp; replaces arginine 631 with tryptophan.
Molecular consequence: missense variant.
Genome position (GRCh38, 1-based): chr1:162,775,686, C>T. VCF-style: chr1-162775686-C-T. GRCh37 (hg19) VCF-style: chr1-162745476-C-T.
Other names: c.1891C>T, p.Arg631Trp (NM_001014796.3, NM_001354982.2, NM_001354983.2); short protein forms R631W.
Identifiers: ClinVar variation 4707808 (VCV004707808.1).

ClinVar aggregate classification (germline): Uncertain significance (1 of 4 stars; one submission).

gnomAD v4.1: 3 of 1,614,090 alleles (0.00019%); highest among the groups gnomAD compares: Non-Finnish European, 0.00017%; no homozygotes.

Submission:

Labcorp Genetics (formerly Invitae), Labcorp
Classification: Uncertain significance. Last evaluated: 2025-07-09. Review status: criteria provided, single submitter. Criteria: Invitae Variant Classification Sherloc (09022015). Collection method: clinical testing. Allele origin: germline.
Comment: This sequence change replaces arginine, which is basic and polar, with tryptophan, which is neutral and slightly polar, at codon 631 of the DDR2 protein (p.Arg631Trp). This variant is present in population databases (no rsID available, gnomAD 0.0009%). This variant has not been reported in the literature in individuals affected with DDR2-related conditions. An algorithm developed to predict the effect of missense changes on protein structure and function (PolyPhen-2) suggests that this variant is likely to be disruptive. In summary, the available evidence is currently insufficient to determine the role of this variant in disease. Therefore, it has been classified as a Variant of Uncertain Significance.